The following is an entry in ClinVar:

NM_000426.4(LAMA2):c.3129A>T (p.Lys1043Asn)

Gene: LAMA2 (laminin subunit alpha 2; plus strand). Cytogenetic location: 6q22.33.
Variant type: single nucleotide variant.
Coding change: c.3129A>T on transcript NM_000426.4 (MANE Select); coding-DNA position 3129, A replaced by T.
Protein change: p.Lys1043Asn; replaces lysine 1043 with asparagine.
Molecular consequence: missense variant.
Genome position (GRCh38, 1-based): chr6:129,300,827, A>T. VCF-style: chr6-129300827-A-T. GRCh37 (hg19) VCF-style: chr6-129621972-A-T.
Other names: c.3129A>T, p.Lys1043Asn (NM_001079823.2); short protein forms K1043N.
Identifiers: ClinVar variation 1053248 (VCV001053248.10), dbSNP rs772541077, ClinGen allele CA146903020.

ClinVar aggregate classification (germline): Uncertain significance. Review status: criteria provided, multiple submitters, no conflicts (2 of 4 stars). 3 submissions from 3 submitters: Uncertain significance (3). Last evaluated 2025-04-23.

Conditions:
LAMA2-related muscular dystrophy (LAMA2-RD). Also called: Laminin alpha 2-related dystrophy. Identifiers: MedGen C5679788, MONDO:0100228.

Allele frequency attached by ClinVar (database versions not stated): gnomAD 0.00001; TOPMed 0.00001.
gnomAD v4.1: 23 of 1,613,726 alleles (0.0014%); highest among the groups gnomAD compares: Non-Finnish European, 0.0019%; no homozygotes.

Submissions (3):

Mayo Clinic Laboratories, Mayo Clinic
Classification: Uncertain significance. Last evaluated: 2025-04-23. Review status: criteria provided, single submitter. Criteria: ACMG Guidelines, 2015. Collection method: clinical testing. Allele origin: germline. Observed: 2 variant alleles.
Comment: BP4_moderate

Labcorp Genetics (formerly Invitae), Labcorp
Classification: Uncertain significance for LAMA2-related muscular dystrophy. Last evaluated: 2022-09-12. Review status: criteria provided, single submitter. Criteria: Invitae Variant Classification Sherloc (09022015). Collection method: clinical testing. Allele origin: germline.
Comment: This sequence change replaces lysine, which is basic and polar, with asparagine, which is neutral and polar, at codon 1043 of the LAMA2 protein (p.Lys1043Asn). This variant is present in population databases (no rsID available, gnomAD 0.002%). This variant has not been reported in the literature in individuals affected with LAMA2-related conditions. ClinVar contains an entry for this variant (Variation ID: 1053248). Advanced modeling of protein sequence and biophysical properties (such as structural, functional, and spatial information, amino acid conservation, physicochemical variation, residue mobility, and thermodynamic stability) performed at Invitae indicates that this missense variant is not expected to disrupt LAMA2 protein function. In summary, the available evidence is currently insufficient to determine the role of this variant in disease. Therefore, it has been classified as a Variant of Uncertain Significance.

GeneDx
Classification: Uncertain significance. Last evaluated: 2019-07-11. Review status: criteria provided, single submitter. Criteria: GeneDx Variant Classification Process June 2021. Collection method: clinical testing. Allele origin: germline. Affected: yes.
Comment: Has not been previously published as pathogenic or benign to our knowledge; Not observed at a significant frequency in large population cohorts (Lek et al., 2016); In silico analysis, which includes protein predictors and evolutionary conservation, supports that this variant does not alter protein structure/function